The following is an entry in ClinVar:

ClinVar aggregate classification (germline): Uncertain significance (1 of 4 stars; one submission).

Allele frequency attached by ClinVar (database versions not stated): TOPMed 0.00003; gnomAD 0.00004; gnomAD exomes 0.00005; ESP Exome Variant Server 0.00008.
gnomAD v4.1: 78 of 1,593,160 alleles (0.0049%); highest among the groups gnomAD compares: Non-Finnish European, 0.0063%; no homozygotes.

Submission:

Labcorp Genetics (formerly Invitae), Labcorp
Classification: Uncertain significance. Last evaluated: 2023-09-19. Review status: criteria provided, single submitter. Criteria: Invitae Variant Classification Sherloc (09022015). Collection method: clinical testing. Allele origin: germline.
Comment: In summary, the available evidence is currently insufficient to determine the role of this variant in disease. Therefore, it has been classified as a Variant of Uncertain Significance. Algorithms developed to predict the effect of sequence changes on RNA splicing suggest that this variant may disrupt the consensus splice site. This variant has not been reported in the literature in individuals affected with PRUNE1-related conditions. This variant is present in population databases (rs368861169, gnomAD 0.002%). This sequence change falls in intron 5 of the PRUNE1 gene. It does not directly change the encoded amino acid sequence of the PRUNE1 protein.

NM_021222.3(PRUNE1):c.680-10T>A

Gene: PRUNE1 (prune exopolyphosphatase 1; plus strand). Cytogenetic location: 1q21.3.
Variant type: single nucleotide variant.
Coding change: c.680-10T>A on transcript NM_021222.3 (MANE Select); 10 bases into the intron before coding-DNA position 680, T replaced by A.
Molecular consequence: intron variant.
Genome position (GRCh38, 1-based): chr1:151,027,223, T>A. VCF-style: chr1-151027223-T-A. GRCh37 (hg19) VCF-style: chr1-150999699-T-A.
Other names: c.680-10T>A (NM_001303242.2); c.77-10T>A (NM_001303243.2); c.134-10T>A (NM_001303229.2).
Identifiers: ClinVar variation 2955049 (VCV002955049.3), dbSNP rs368861169, ClinGen allele CA29507969.